The following is an entry in ClinVar:

ClinVar aggregate classification (germline): Uncertain significance (1 of 4 stars; one submission).

Conditions:
KBG syndrome (KBGS). Also called: ANKRD11-Related KBG Syndrome. Identifiers: Orphanet 2332, MedGen C0220687, MONDO:0007846, OMIM 148050.

Submission:

Labcorp Genetics (formerly Invitae), Labcorp
Classification: Uncertain significance for KBG syndrome. Last evaluated: 2025-12-22. Review status: criteria provided, single submitter. Criteria: Invitae Variant Classification Sherloc (09022015). Collection method: clinical testing. Allele origin: germline.
Comment: This sequence change replaces glycine, which is neutral and non-polar, with arginine, which is basic and polar, at codon 1108 of the ANKRD11 protein (p.Gly1108Arg). This variant is not present in population databases (gnomAD no frequency). This variant has not been reported in the literature in individuals affected with ANKRD11-related conditions. Invitae Evidence Modeling of protein sequence and biophysical properties (such as structural, functional, and spatial information, amino acid conservation, physicochemical variation, residue mobility, and thermodynamic stability) indicates that this missense variant is not expected to disrupt ANKRD11 protein function with a negative predictive value of 95%. In summary, the available evidence is currently insufficient to determine the role of this variant in disease. Therefore, it has been classified as a Variant of Uncertain Significance.

NM_013275.6(ANKRD11):c.3322G>C (p.Gly1108Arg)

Gene: ANKRD11 (ankyrin repeat domain 11; minus strand). Cytogenetic location: 16q24.3.
Variant type: single nucleotide variant.
Coding change: c.3322G>C on transcript NM_013275.6 (MANE Select); coding-DNA position 3322, G replaced by C.
Protein change: p.Gly1108Arg; replaces glycine 1108 with arginine.
Molecular consequence: missense variant.
Genome position (GRCh38, 1-based): chr16:89,283,220, C>G on the plus strand (G>C on the coding strand, the complement: ANKRD11 is on the minus strand). VCF-style: chr16-89283220-C-G. GRCh37 (hg19) VCF-style: chr16-89349628-C-G.
Other names: c.3322G>C, p.Gly1108Arg (NM_001256182.2, NM_001256183.2); short protein forms G1108R.
Identifiers: ClinVar variation 4802804 (VCV004802804.1).